The following is an entry in ClinVar:

NM_015488.5(PNKD):c.252_253dup (p.Arg85fs)

Genes: CATIP-AS2 (CATIP antisense RNA 2; minus strand), PNKD (PNKD metallo-beta-lactamase domain containing; plus strand). Cytogenetic location: 2q35.
Variant type: Duplication.
Coding change: c.252_253dup on transcript NM_015488.5 (MANE Select); coding-DNA positions 252 to 253, 2 bases duplicated (CC; older notation c.252_253dupCC).
Protein change: p.Arg85fs; shifts the reading frame from arginine 85.
Molecular consequence: frameshift variant.
Genome position (GRCh38, 1-based): chr2:218,339,798-218,339,799, CC duplicated; duplicating any 2 consecutive bases within chr2:218,339,797-218,339,799 gives the same sequence; the c. name uses the placement nearest the transcript's 3' end. VCF-style (leftmost placement, unchanged base first): chr2-218339796-A-ACC. GRCh37 (hg19) VCF-style: chr2-219204519-A-ACC.
Other names: c.180_181dup, p.Arg61Profs (NM_022572.5); short protein forms R61fs, R85fs.
Identifiers: ClinVar variation 3027210 (VCV003027210.22), dbSNP rs2469461737, ClinGen allele CA2663103529.

ClinVar aggregate classification (germline): Uncertain significance (1 of 4 stars; one submission).

Submission:

CeGaT Center for Human Genetics Tuebingen
Classification: Uncertain significance. Last evaluated: 2024-02-01. Review status: criteria provided, single submitter. Criteria: CeGaT Center For Human Genetics Tuebingen Variant Classification Criteria Version 2. Collection method: clinical testing. Allele origin: germline. Affected: yes. Observed: 1 variant allele.
Comment: PNKD: PM2